The following is an entry in ClinVar:

NM_003355.3(UCP2):c.914G>A (p.Arg305Gln)

Gene: UCP2 (uncoupling protein 2; minus strand). Cytogenetic location: 11q13.4.
Variant type: single nucleotide variant.
Coding change: c.914G>A on transcript NM_003355.3 (MANE Select); coding-DNA position 914, G replaced by A.
Protein change: p.Arg305Gln; replaces arginine 305 with glutamine.
Molecular consequence: missense variant.
Genome position (GRCh38, 1-based): chr11:73,975,023, C>T on the plus strand (G>A on the coding strand, the complement: UCP2 is on the minus strand). VCF-style: chr11-73975023-C-T. GRCh37 (hg19) VCF-style: chr11-73686068-C-T.
Other names: c.914G>A, p.Arg305Gln (NM_001381943.1, NM_001381944.1, NM_001381945.1 and 2 more transcripts); c.812G>A, p.Arg271Gln (NM_001381949.1); c.719G>A, p.Arg240Gln (NM_001381950.1); short protein forms R240Q, R271Q, R305Q.
Identifiers: ClinVar variation 4804335 (VCV004804335.1).
Genomic context (GRCh38, chr11:73,975,023, plus strand): 5'-CTAGAGACAAAGCCAGAGGTGATCAGGTCAGCAGCAGGAGAGGCTCAGAAGGGAGCCTCT[C>T]GGGAAGTGCAGGCAGCCATGAGGGCTCGTTTCAGCTGCTCATAGGTGACGAACATCACCA-3'
Protein context (NP_003346.2, residues 295-309): KRALMAACTS[Arg305Gln]EAPF

ClinVar aggregate classification (germline): Uncertain significance (1 of 4 stars; one submission).

gnomAD v4.1: 153 of 1,608,848 alleles (0.0095%); highest among the groups gnomAD compares: South Asian, 0.15%; 2 homozygotes.

Submission:

Labcorp Genetics (formerly Invitae), Labcorp
Classification: Uncertain significance. Last evaluated: 2025-06-25. Review status: criteria provided, single submitter. Criteria: Invitae Variant Classification Sherloc (09022015). Collection method: clinical testing. Allele origin: germline.
Comment: This sequence change replaces arginine, which is basic and polar, with glutamine, which is neutral and polar, at codon 305 of the UCP2 protein (p.Arg305Gln). This variant is present in population databases (rs560837935, gnomAD 0.2%), and has an allele count higher than expected for a pathogenic variant. This variant has not been reported in the literature in individuals affected with UCP2-related conditions. An algorithm developed to predict the effect of missense changes on protein structure and function outputs the following: PolyPhen-2: "Benign". The glutamine amino acid residue is found in multiple mammalian species, which suggests that this missense change does not adversely affect protein function. In summary, the available evidence is currently insufficient to determine the role of this variant in disease. Therefore, it has been classified as a Variant of Uncertain Significance.